The following is an entry in ClinVar:

ClinVar aggregate classification (germline): Uncertain significance (1 of 4 stars; one submission).

Allele frequency attached by ClinVar (database versions not stated): gnomAD exomes below 0.00001.
gnomAD v4.1: 1 of 1,611,152 alleles (0.000062%); highest among the groups gnomAD compares: Non-Finnish European, 0.000085%; no homozygotes.

Submission:

Labcorp Genetics (formerly Invitae), Labcorp
Classification: Uncertain significance. Last evaluated: 2024-01-04. Review status: criteria provided, single submitter. Criteria: Invitae Variant Classification Sherloc (09022015). Collection method: clinical testing. Allele origin: germline.
Comment: This sequence change replaces serine, which is neutral and polar, with asparagine, which is neutral and polar, at codon 131 of the GHR protein (p.Ser131Asn). This variant is not present in population databases (gnomAD no frequency). This variant has not been reported in the literature in individuals affected with GHR-related conditions. Advanced modeling of protein sequence and biophysical properties (such as structural, functional, and spatial information, amino acid conservation, physicochemical variation, residue mobility, and thermodynamic stability) performed at Invitae indicates that this missense variant is not expected to disrupt GHR protein function with a negative predictive value of 80%. In summary, the available evidence is currently insufficient to determine the role of this variant in disease. Therefore, it has been classified as a Variant of Uncertain Significance.

NM_000163.5(GHR):c.392G>A (p.Ser131Asn)

Gene: GHR (growth hormone receptor; plus strand). Cytogenetic location: 5p12.
Variant type: single nucleotide variant.
Coding change: c.392G>A on transcript NM_000163.5 (MANE Select); coding-DNA position 392, G replaced by A.
Protein change: p.Ser131Asn; replaces serine 131 with asparagine.
Molecular consequence: missense variant.
Genome position (GRCh38, 1-based): chr5:42,695,042, G>A. VCF-style: chr5-42695042-G-A. GRCh37 (hg19) VCF-style: chr5-42695144-G-A.
Other names: c.413G>A, p.Ser138Asn (NM_001242399.2); c.392G>A, p.Ser131Asn (NM_001242400.2, NM_001242401.4, NM_001242402.2 and 5 more transcripts); c.326G>A, p.Ser109Asn (NM_001242460.2); short protein forms S131N, S138N, S109N.
Identifiers: ClinVar variation 2707453 (VCV002707453.3), dbSNP rs2530670208, ClinGen allele CA359695268.
Genomic context (GRCh38, chr5:42,695,042, plus strand): 5'-GCTGTTACTTTAATTCATCGTTTACCTCCATCTGGATACCTTATTGTATCAAGCTAACTA[G>A]CAATGGTGGTACAGTGGATGAAAAGTGTTTCTCTGTTGATGAAATAGGTAAATCACAGGT-3'
Protein context (NP_000154.1, residues 121-141): IWIPYCIKLT[Ser131Asn]NGGTVDEKCF